The following is an entry in ClinVar:

NM_004006.3(DMD):c.8525A>G (p.Gln2842Arg)

Gene: DMD (dystrophin; minus strand). Cytogenetic location: Xp21.2.
Variant type: single nucleotide variant.
Coding change: c.8525A>G on transcript NM_004006.3 (MANE Select); coding-DNA position 8525, A replaced by G.
Protein change: p.Gln2842Arg; replaces glutamine 2842 with arginine.
Molecular consequence: missense variant.
Genome position (GRCh38, 1-based): chrX:31,496,810, T>C on the plus strand (A>G on the coding strand, the complement: DMD is on the minus strand). VCF-style: chrX-31496810-T-C. GRCh37 (hg19) VCF-style: chrX-31514927-T-C.
Other names: c.8513A>G, p.Gln2838Arg (NM_004009.3); c.8156A>G, p.Gln2719Arg (NM_004010.3); c.4502A>G, p.Gln1501Arg (NM_004011.4); c.4493A>G, p.Gln1498Arg (NM_004012.4); c.1145A>G, p.Gln382Arg (NM_004013.3, NM_004020.4, NM_004021.3 and 2 more transcripts); c.338A>G, p.Gln113Arg (NM_004014.3); c.8501A>G, p.Gln2834Arg (NM_000109.4); short protein forms Q2834R, Q1498R, Q1501R, Q2719R, Q2838R, Q2842R, Q113R, Q382R.
Identifiers: ClinVar variation 3675669 (VCV003675669.2).
Genomic context (GRCh38, chrX:31,496,810, plus strand): 5'-TTAACATGTGCAAGGCACGAGGCTTAAAAATGTCCTACCCTATGTACATCGTTCTGCTTC[T>C]GAACTGCTGGAAAGTCGCCTCCAATAGGTGCCTGCCGGCTTAATTCATCATCTTTCAGCT-3'
Protein context (NP_003997.2, residues 2832-2852): APIGGDFPAV[Gln2842Arg]KQNDVHRAFK

ClinVar aggregate classification (germline): Uncertain significance (1 of 4 stars; one submission).

Conditions:
Duchenne muscular dystrophy (DMD). Also called: MUSCULAR DYSTROPHY, PSEUDOHYPERTROPHIC PROGRESSIVE, DUCHENNE TYPE; Duchenne Muscular Dystrophy (DMD). Identifiers: Orphanet 98896, MedGen C0013264, MONDO:0010679, OMIM 310200.

Submission:

Labcorp Genetics (formerly Invitae), Labcorp
Classification: Uncertain significance for Duchenne muscular dystrophy. Last evaluated: 2024-03-16. Review status: criteria provided, single submitter. Criteria: Invitae Variant Classification Sherloc (09022015). Collection method: clinical testing. Allele origin: germline.
Comment: This sequence change replaces glutamine, which is neutral and polar, with arginine, which is basic and polar, at codon 2842 of the DMD protein (p.Gln2842Arg). This variant is not present in population databases (gnomAD no frequency). This variant has not been reported in the literature in individuals affected with DMD-related conditions. Advanced modeling of protein sequence and biophysical properties (such as structural, functional, and spatial information, amino acid conservation, physicochemical variation, residue mobility, and thermodynamic stability) performed at Invitae indicates that this missense variant is not expected to disrupt DMD protein function with a negative predictive value of 95%. In summary, the available evidence is currently insufficient to determine the role of this variant in disease. Therefore, it has been classified as a Variant of Uncertain Significance.